The following is an entry in ClinVar:

ClinVar aggregate classification (germline): Uncertain significance (1 of 4 stars; one submission).

gnomAD v4.1: 7 of 1,523,504 alleles (0.00046%); highest among the groups gnomAD compares: African/African-American, 0.0014%; no homozygotes.

Submission:

Women's Health and Genetics/Laboratory Corporation of America, LabCorp
Classification: Uncertain significance. Last evaluated: 2025-07-07. Review status: criteria provided, single submitter. Criteria: LabCorp Variant Classification Summary - May 2015. Collection method: clinical testing. Allele origin: germline.
Comment: Variant summary: RERE c.3178G>T (p.Ala1060Ser) results in a conservative amino acid change in the encoded protein sequence. Algorithms developed to predict the effect of missense changes on protein structure and function are either unavailable or do not agree on the potential impact of this missense change. The variant allele was found at a frequency of 1.6e-05 in 125914 control chromosomes (gnomAD). The available data on variant occurrences in the general population are insufficient to allow any conclusion about variant significance. To our knowledge, no occurrence of c.3178G>T in individuals affected with Neurodevelopmental Disorder With Or Without Anomalies Of The Brain, Eye, Or Heart and no experimental evidence demonstrating its impact on protein function have been reported. No submitters have cited clinical-significance assessments for this variant to ClinVar. Based on the evidence outlined above, the variant was classified as uncertain significance.

NM_001042681.2(RERE):c.3178G>T (p.Ala1060Ser)

Gene: RERE (arginine-glutamic acid dipeptide repeats; minus strand). Cytogenetic location: 1p36.23.
Variant type: single nucleotide variant.
Coding change: c.3178G>T on transcript NM_001042681.2 (MANE Select); coding-DNA position 3178, G replaced by T.
Protein change: p.Ala1060Ser; replaces alanine 1060 with serine.
Molecular consequence: missense variant.
Genome position (GRCh38, 1-based): chr1:8,360,329, C>A on the plus strand (G>T on the coding strand, the complement: RERE is on the minus strand). VCF-style: chr1-8360329-C-A. GRCh37 (hg19) VCF-style: chr1-8420389-C-A.
Other names: c.1516G>T, p.Ala506Ser (NM_001042682.2); c.3178G>T, p.Ala1060Ser (NM_012102.4); short protein forms A1060S, A506S.
Identifiers: ClinVar variation 3912029 (VCV003912029.2).